The following is an entry in ClinVar:

ClinVar aggregate classification (germline): Uncertain significance (1 of 4 stars; one submission).

Submission:

Labcorp Genetics (formerly Invitae), Labcorp
Classification: Uncertain significance. Last evaluated: 2022-07-25. Review status: criteria provided, single submitter. Criteria: Invitae Variant Classification Sherloc (09022015). Collection method: clinical testing. Allele origin: germline.
Comment: In summary, the available evidence is currently insufficient to determine the role of this variant in disease. Therefore, it has been classified as a Variant of Uncertain Significance. Algorithms developed to predict the effect of missense changes on protein structure and function are either unavailable or do not agree on the potential impact of this missense change (SIFT: "Deleterious"; PolyPhen-2: "Benign"; Align-GVGD: "Class C15"). ClinVar contains an entry for this variant (Variation ID: 1500783). This variant has not been reported in the literature in individuals affected with ATOH7-related conditions. This variant is not present in population databases (gnomAD no frequency). This sequence change replaces glycine, which is neutral and non-polar, with arginine, which is basic and polar, at codon 126 of the ATOH7 protein (p.Gly126Arg).

NM_145178.4(ATOH7):c.376G>C (p.Gly126Arg)

Gene: ATOH7 (atonal bHLH transcription factor 7; minus strand). Cytogenetic location: 10q21.3.
Variant type: single nucleotide variant.
Coding change: c.376G>C on transcript NM_145178.4 (MANE Select); coding-DNA position 376, G replaced by C.
Protein change: p.Gly126Arg; replaces glycine 126 with arginine.
Molecular consequence: missense variant.
Genome position (GRCh38, 1-based): chr10:68,231,302, C>G on the plus strand (G>C on the coding strand, the complement: ATOH7 is on the minus strand). VCF-style: chr10-68231302-C-G. GRCh37 (hg19) VCF-style: chr10-69991059-C-G.
Other names: short protein forms G126R.
Identifiers: ClinVar variation 1500783 (VCV001500783.6), dbSNP rs2134380210, ClinGen allele CA376835305.
Genomic context (GRCh38, chr10:68,231,302, plus strand): 5'-CGGGCTGGAAGCCGAAGAGTCTCTGGCTGTACAGCTCGCTCTCGCCCGGCAGCTTCGCGC[C>G]CGGGAACGGGAGGTAGTGGTCGCGGCCGAAGTGCTCACAGTGGAGACCCACCCAGTCCCG-3'
Protein context (NP_660161.1, residues 116-136): FGRDHYLPFP[Gly126Arg]AKLPGESELY